The following is an entry in ClinVar:

NM_000059.4(BRCA2):c.4438T>C (p.Tyr1480His)

Gene: BRCA2 (BRCA2 DNA repair associated; plus strand). Cytogenetic location: 13q13.1.
Variant type: single nucleotide variant.
Coding change: c.4438T>C on transcript NM_000059.4 (MANE Select); coding-DNA position 4438, T replaced by C.
Protein change: p.Tyr1480His; replaces tyrosine 1480 with histidine.
Molecular consequence: missense variant.
Genome position (GRCh38, 1-based): chr13:32,338,793, T>C. VCF-style: chr13-32338793-T-C. GRCh37 (hg19) VCF-style: chr13-32912930-T-C.
Other names: short protein forms Y1480H.
Identifiers: ClinVar variation 479343 (VCV000479343.7), dbSNP rs1555283783, ClinGen allele CA387781322.
Genomic context (GRCh38, chr13:32,338,793, plus strand): 5'-TTTTCCTTAAATTCTGAATTACATTCTGACATAAGAAAGAACAAAATGGACATTCTAAGT[T>C]ATGAGGAAACAGACATAGTTAAACACAAAATACTGAAAGAAAGTGTCCCAGTTGGTACTG-3'
Protein context (NP_000050.3, residues 1470-1490): IRKNKMDILS[Tyr1480His]EETDIVKHKI

ClinVar aggregate classification (germline): Likely benign. Review status: criteria provided, multiple submitters, no conflicts (2 of 4 stars). 2 submissions from 2 submitters: Likely benign (2). Last evaluated 2023-03-23.

Conditions:
Hereditary cancer-predisposing syndrome. Also called: Neoplastic Syndromes, Hereditary; Hereditary Cancer Syndrome; Hereditary neoplastic syndrome; Tumor predisposition. Identifiers: Orphanet 140162, MedGen C0027672, MeSH D009386, MONDO:0015356.

Submissions (2):

University of Washington Department of Laboratory Medicine, University of Washington
Classification: Likely benign for Hereditary cancer-predisposing syndrome. Last evaluated: 2023-03-23. Review status: criteria provided, single submitter. Criteria: Dines et al. (Genet Med. 2020). Collection method: curation. Allele origin: germline.
Comment: Missense variant in a coldspot region where missense variants are very unlikely to be pathogenic (PMID:31911673).

BRCA2 exon 11 coldspot. Reclassification based on statistical prior probability.

Ambry Genetics
Classification: Likely benign for Hereditary cancer-predisposing syndrome. Last evaluated: 2016-08-18. Review status: criteria provided, single submitter. Criteria: Ambry Variant Classification Scheme 2023. Collection method: clinical testing. Allele origin: germline.